The following is an entry in ClinVar:

ClinVar aggregate classification (germline): Uncertain significance (1 of 4 stars; one submission).

Conditions:
Primary ciliary dyskinesia. Also called: Ciliary dyskinesia. Identifiers: Orphanet 244, MedGen C0008780, MONDO:0016575, HP:0012265.

gnomAD v4.1: 1 of 1,613,936 alleles (0.000062%); highest among the groups gnomAD compares: Non-Finnish European, 0.000085%; no homozygotes.

Submission:

Labcorp Genetics (formerly Invitae), Labcorp
Classification: Uncertain significance for Primary ciliary dyskinesia. Last evaluated: 2025-04-07. Review status: criteria provided, single submitter. Criteria: Invitae Variant Classification Sherloc (09022015). Collection method: clinical testing. Allele origin: germline.
Comment: This sequence change replaces cysteine, which is neutral and slightly polar, with phenylalanine, which is neutral and non-polar, at codon 1342 of the DNAH5 protein (p.Cys1342Phe). This variant is not present in population databases (gnomAD no frequency). This variant has not been reported in the literature in individuals affected with DNAH5-related conditions. ClinVar contains an entry for this variant (Variation ID: 1929950). Invitae Evidence Modeling of protein sequence and biophysical properties (such as structural, functional, and spatial information, amino acid conservation, physicochemical variation, residue mobility, and thermodynamic stability) indicates that this missense variant is not expected to disrupt DNAH5 protein function with a negative predictive value of 95%. In summary, the available evidence is currently insufficient to determine the role of this variant in disease. Therefore, it has been classified as a Variant of Uncertain Significance.

NM_001369.3(DNAH5):c.4025G>T (p.Cys1342Phe)

Genes: DNAH5 (dynein axonemal heavy chain 5; minus strand), DNAH5-AS1 (DNAH5 antisense RNA 1; plus strand). Cytogenetic location: 5p15.2.
Variant type: single nucleotide variant.
Coding change: c.4025G>T on transcript NM_001369.3 (MANE Select); coding-DNA position 4025, G replaced by T.
Protein change: p.Cys1342Phe; replaces cysteine 1342 with phenylalanine.
Molecular consequence: missense variant.
Genome position (GRCh38, 1-based): chr5:13,867,802, C>A on the plus strand (G>T on the coding strand, the complement: DNAH5 is on the minus strand). VCF-style: chr5-13867802-C-A. GRCh37 (hg19) VCF-style: chr5-13867911-C-A.
Other names: short protein forms C1342F.
Identifiers: ClinVar variation 1929950 (VCV001929950.3), dbSNP rs2546987963, ClinGen allele CA359228216.